The following is an entry in ClinVar:

NM_000138.5(FBN1):c.4930C>A (p.Arg1644=)

Gene: FBN1 (fibrillin 1; minus strand). Cytogenetic location: 15q21.1.
Variant type: single nucleotide variant.
Coding change: c.4930C>A on transcript NM_000138.5 (MANE Select); coding-DNA position 4930, C replaced by A.
Protein change: p.Arg1644=; no amino-acid change (arginine 1644 retained).
Molecular consequence: synonymous variant.
Genome position (GRCh38, 1-based): chr15:48,465,580, G>T on the plus strand (C>A on the coding strand, the complement: FBN1 is on the minus strand). VCF-style: chr15-48465580-G-T. GRCh37 (hg19) VCF-style: chr15-48757777-G-T.
Identifiers: ClinVar variation 928396 (VCV000928396.6), dbSNP rs140630, ClinGen allele CA490026430.

ClinVar aggregate classification (germline): Likely benign. Review status: criteria provided, multiple submitters, no conflicts (2 of 4 stars). 4 submissions from 4 submitters: Likely benign (4). Last evaluated 2026-08-01.

Conditions:
Marfan syndrome (MFS). Also called: Marfan syndrome type 1; MARFAN SYNDROME, TYPE I; Marfan syndrome, classic; FBN1-Related Marfan Syndrome; Marfan's syndrome. Identifiers: Orphanet 284963, Orphanet 558, MedGen C0024796, MONDO:0007947, OMIM 154700.
Familial thoracic aortic aneurysm and aortic dissection (TAAD). Also called: Thoracic aortic aneurysms and dissections. Identifiers: Orphanet 91387, MedGen C4707243, MONDO:0019625.

Allele frequency attached by ClinVar (database versions not stated): gnomAD exomes below 0.00001; TOPMed 0.00001.
gnomAD v4.1: 5 of 1,614,062 alleles (0.00031%); highest among the groups gnomAD compares: Non-Finnish European, 0.00042%; no homozygotes.

Submissions (4):

CeGaT Center for Human Genetics Tuebingen
Classification: Likely benign. Last evaluated: 2026-08-01. Review status: criteria provided, single submitter. Criteria: CeGaT Center For Human Genetics Tuebingen Variant Classification Criteria Version 2. Collection method: clinical testing. Allele origin: germline. Affected: yes. Observed: 1 variant allele.
Comment: FBN1: BP4

Labcorp Genetics (formerly Invitae), Labcorp
Classification: Likely benign for Marfan syndrome; Familial thoracic aortic aneurysm and aortic dissection. Last evaluated: 2026-01-18. Review status: criteria provided, single submitter. Criteria: Invitae Variant Classification Sherloc (09022015). Collection method: clinical testing. Allele origin: germline.

All of Us Research Program, National Institutes of Health
Classification: Likely benign for Marfan syndrome. Last evaluated: 2024-03-24. Review status: criteria provided, single submitter. Criteria: ACMG Guidelines, 2015. Collection method: clinical testing. Allele origin: germline. Inheritance: Autosomal dominant inheritance. Observed: 8 variant alleles, 8 heterozygotes.
Comment: This study involves interpretation of variants in research participants for the purpose of population health screening. Participant phenotype was not available at the time of variant classification. Additional details can be found in publication PMID: 35346344, PMCID: PMC8962531

Color Diagnostics, LLC DBA Color Health
Classification: Likely benign for Familial thoracic aortic aneurysm and aortic dissection. Last evaluated: 2019-06-03. Review status: criteria provided, single submitter. Criteria: ACMG Guidelines, 2015. Collection method: clinical testing. Allele origin: germline.